The following is an entry in ClinVar:

NM_000702.4(ATP1A2):c.1842C>T (p.Thr614=)

Gene: ATP1A2 (ATPase Na+/K+ transporting subunit alpha 2; plus strand). Cytogenetic location: 1q23.2.
Variant type: single nucleotide variant.
Coding change: c.1842C>T on transcript NM_000702.4 (MANE Select); coding-DNA position 1842, C replaced by T.
Protein change: p.Thr614=; no amino-acid change (threonine 614 retained).
Molecular consequence: synonymous variant.
Genome position (GRCh38, 1-based): chr1:160,134,498, C>T. VCF-style: chr1-160134498-C-T. GRCh37 (hg19) VCF-style: chr1-160104288-C-T.
Identifiers: ClinVar variation 762710 (VCV000762710.14), dbSNP rs760365280, ClinGen allele CA1194598.
Genomic context (GRCh38, chr1:160,134,498, plus strand): 5'-AAACCCTTAATACTACTTTCCTGTTGTCTCCTCTCCTTCCCACTAGGTGATCATGGTAAC[C>T]GGGGATCACCCTATCACAGCCAAGGCCATTGCCAAAGGCGTGGGCATCATATCAGAGGGT-3'
Protein context (NP_000693.1, residues 604-624): RSAGIKVIMV[Thr614=]GDHPITAKAI

ClinVar aggregate classification (germline): Likely benign. Review status: criteria provided, multiple submitters, no conflicts (2 of 4 stars). 2 submissions from 2 submitters: Likely benign (2). Last evaluated 2025-12-22.

Conditions:
Familial hemiplegic migraine. Identifiers: MedGen C0338484, MONDO:0000700.

Allele frequency attached by ClinVar (database versions not stated): ExAC 0.00001; gnomAD 0.00001; gnomAD exomes 0.00001 and 0.00002; TOPMed 0.00002.
gnomAD v4.1: 18 of 1,614,018 alleles (0.0011%); highest among the groups gnomAD compares: East Asian, 0.022%; no homozygotes.

Submissions (2):

Labcorp Genetics (formerly Invitae), Labcorp
Classification: Likely benign for Familial hemiplegic migraine. Last evaluated: 2025-12-22. Review status: criteria provided, single submitter. Criteria: Invitae Variant Classification Sherloc (09022015). Collection method: clinical testing. Allele origin: germline.

CeGaT Center for Human Genetics Tuebingen
Classification: Likely benign. Last evaluated: 2025-11-01. Review status: criteria provided, single submitter. Criteria: CeGaT Center For Human Genetics Tuebingen Variant Classification Criteria Version 2. Collection method: clinical testing. Allele origin: germline. Affected: yes. Observed: 2 variant alleles.
Comment: ATP1A2: BP4, BP7